The following is an entry in ClinVar:

ClinVar aggregate classification (germline): Likely risk allele (0 of 4 stars; one submission).

Conditions:
Pulmonary fibrosis. Identifiers: MedGen C0034069, MONDO:0002771, HP:0002206.

Submission:

Garcia Pulmonary Genetics Research Laboratory, Columbia University Irving Medical Center
Classification: Likely risk allele for Pulmonary fibrosis. Last evaluated: 2022-06-09. Review status: no assertion criteria provided. Collection method: research. Allele origin: germline. Affected: yes.
Comment: Leukocyte telomere length (by qPCR) less than 10th percentile age-adjusted

NC_000003.12:g.169764827G>C

Genes: TERC (telomerase RNA component; minus strand), LOC110806306 (telomerase RNA component (TERC) promoter; plus strand). Cytogenetic location: 3q26.2.
Variant type: single nucleotide variant.
Genome position: GRCh38 VCF-style: chr3-169764827-G-C. GRCh37 (hg19) VCF-style: chr3-169482615-G-C.
Identifiers: ClinVar variation 1695964 (VCV001695964.1), dbSNP rs1032106566, ClinGen allele CA436715330.